The following is an entry in ClinVar:

NM_000245.4(MET):c.2265-17C>G

Gene: MET (MET proto-oncogene, receptor tyrosine kinase; plus strand). Cytogenetic location: 7q31.2.
Variant type: single nucleotide variant.
Coding change: c.2265-17C>G on transcript NM_000245.4 (MANE Select); 17 bases into the intron before coding-DNA position 2265, C replaced by G.
Molecular consequence: intron variant. On other transcripts: missense variant (1).
Genome position (GRCh38, 1-based): chr7:116,759,374, C>G. VCF-style: chr7-116759374-C-G. GRCh37 (hg19) VCF-style: chr7-116399428-C-G.
Other names: c.2302C>G, p.Leu768Val (NM_001127500.3); c.975-17C>G (NM_001324402.2); c.2265-17C>G (NM_001324401.3); short protein forms L768V.
Identifiers: ClinVar variation 4715881 (VCV004715881.2).
Genomic context (GRCh38, chr7:116,759,374, plus strand): 5'-TAAATTGAATCCCTCTCTTACAGTACTTGGTGGAAAGAACCTCTCAACATTGTCAGTTTT[C>G]TATTTTGCTTTGCCAGTGGTGGGAGCACAATAACAGGTGTTGGGAAAAACCTGAATTCAG-3'

ClinVar aggregate classification (germline): Uncertain significance. Review status: criteria provided, multiple submitters, no conflicts (2 of 4 stars). 2 submissions from 2 submitters: Uncertain significance (2). Last evaluated 2026-07-07.

Conditions:
Hereditary cancer-predisposing syndrome. Also called: Hereditary Cancer Syndrome; Hereditary neoplastic syndrome; Neoplastic Syndromes, Hereditary; Tumor predisposition. Identifiers: Orphanet 140162, MedGen C0027672, MeSH D009386, MONDO:0015356.
Renal cell carcinoma. Identifiers: Orphanet 217071, MedGen C0007134, MeSH D002292, MONDO:0005086, HP:0005584.

Submissions (2):

Ambry Genetics
Classification: Uncertain significance for Hereditary cancer-predisposing syndrome. Last evaluated: 2026-07-07. Review status: criteria provided, single submitter. Criteria: Ambry Variant Classification Scheme 2023. Collection method: clinical testing. Allele origin: germline.
Comment: The p.L768V variant (also known as c.2302C>G), located in coding exon 9 of the MET gene, results from a C to G substitution at nucleotide position 2302. The leucine at codon 768 is replaced by valine, an amino acid with highly similar properties. This amino acid position is conserved. In addition, this alteration is predicted to be tolerated by in silico analysis. Based on the available evidence, the clinical significance of this variant remains unclear.

Labcorp Genetics (formerly Invitae), Labcorp
Classification: Uncertain significance for Renal cell carcinoma. Last evaluated: 2025-03-25. Review status: criteria provided, single submitter. Criteria: Invitae Variant Classification Sherloc (09022015). Collection method: clinical testing. Allele origin: germline.
Comment: This sequence change replaces leucine, which is neutral and non-polar, with valine, which is neutral and non-polar, at codon 768 of the MET protein (p.Leu768Val). This variant is not present in population databases (gnomAD no frequency). This variant has not been reported in the literature in individuals affected with MET-related conditions. An algorithm developed to predict the effect of missense changes on protein structure and function (PolyPhen-2) suggests that this variant is likely to be tolerated. In summary, the available evidence is currently insufficient to determine the role of this variant in disease. Therefore, it has been classified as a Variant of Uncertain Significance.